The following is an entry in ClinVar:

NM_000069.3(CACNA1S):c.1611G>A (p.Lys537=)

Gene: CACNA1S (calcium voltage-gated channel subunit alpha1 S; minus strand). Cytogenetic location: 1q32.1.
Variant type: single nucleotide variant.
Coding change: c.1611G>A on transcript NM_000069.3 (MANE Select); coding-DNA position 1611, G replaced by A.
Protein change: p.Lys537=; no amino-acid change (lysine 537 retained).
Molecular consequence: synonymous variant.
Genome position (GRCh38, 1-based): chr1:201,077,887, C>T on the plus strand (G>A on the coding strand, the complement: CACNA1S is on the minus strand). VCF-style: chr1-201077887-C-T. GRCh37 (hg19) VCF-style: chr1-201047015-C-T.
Identifiers: ClinVar variation 509217 (VCV000509217.29), dbSNP rs765888271, ClinGen allele CA078439.
Genomic context (GRCh38, chr1:201,077,887, plus strand): 5'-GCCCGTGGTGCCTGCCGGGGACCCGGGAGTGCCAGCCGACCCCGGCACTCACTTGGTGAT[C>T]TTGAAGATCCTCAGGAGGCGGATGCAGCGGAGCACGGAGATGCCCAGGGGTGTCATGGCA-3'
Protein context (NP_000060.2, residues 527-547): LRCIRLLRIF[Lys537=]ITKYWTSLSN

ClinVar aggregate classification (germline): Likely benign. Review status: criteria provided, multiple submitters, no conflicts (2 of 4 stars). 7 submissions from 4 submitters: Likely benign (7). Last evaluated 2024-02-01.

Conditions:
Congenital myopathy 18. Also called: Myopathy, congenital, due to dihydropyridine receptor defect; DIHYDROPYRIDINE RECEPTOR CONGENITAL MYOPATHY; DHPR CONGENITAL MYOPATHY. Identifiers: MedGen C5830283, MONDO:0859514, OMIM 620246.
Hypokalemic periodic paralysis, type 1. Also called: HypoPP; Hypokalemic Periodic Paralysis Type 1 (AD). Identifiers: Orphanet 681, MedGen C3714580, MONDO:0042979, OMIM 170400.
Malignant hyperthermia, susceptibility to, 5 (MHS5). Also called: CACNA1S-Related Malignant Hyperthermia Susceptibility. Identifiers: Orphanet 423, MedGen C1866077, MONDO:0011163, OMIM 601887.
Thyrotoxic periodic paralysis, susceptibility to, 1 (TTPP1). Identifiers: Orphanet 79102, MedGen C2749982, MONDO:0008570, OMIM 188580.

Allele frequency attached by ClinVar (database versions not stated): gnomAD exomes below 0.00001 and 0.00001; ExAC 0.00002.
gnomAD v4.1: 6 of 1,613,600 alleles (0.00037%); highest among the groups gnomAD compares: Middle Eastern, 0.05%; no homozygotes.

Submissions (7):

CeGaT Center for Human Genetics Tuebingen
Classification: Likely benign. Last evaluated: 2024-02-01. Review status: criteria provided, single submitter. Criteria: CeGaT Center For Human Genetics Tuebingen Variant Classification Criteria Version 2. Collection method: clinical testing. Allele origin: germline. Affected: yes. Observed: 1 variant allele.
Comment: CACNA1S: BP4

Genome-Nilou Lab
Classification: Likely benign for Malignant hyperthermia, susceptibility to, 5. Last evaluated: 2023-04-11. Review status: criteria provided, single submitter. Criteria: ACMG Guidelines, 2015. Collection method: clinical testing. Allele origin: germline. Affected: no.

Genome-Nilou Lab
Classification: Likely benign for Thyrotoxic periodic paralysis, susceptibility to, 1. Last evaluated: 2023-04-11. Review status: criteria provided, single submitter. Criteria: ACMG Guidelines, 2015. Collection method: clinical testing. Allele origin: germline. Affected: no.

Genome-Nilou Lab
Classification: Likely benign for Congenital myopathy 18. Last evaluated: 2023-04-11. Review status: criteria provided, single submitter. Criteria: ACMG Guidelines, 2015. Collection method: clinical testing. Allele origin: germline. Affected: no.

Genome-Nilou Lab
Classification: Likely benign for Hypokalemic periodic paralysis, type 1. Last evaluated: 2023-04-11. Review status: criteria provided, single submitter. Criteria: ACMG Guidelines, 2015. Collection method: clinical testing. Allele origin: germline. Affected: no.

Labcorp Genetics (formerly Invitae), Labcorp
Classification: Likely benign for Hypokalemic periodic paralysis, type 1; Malignant hyperthermia, susceptibility to, 5. Last evaluated: 2022-01-05. Review status: criteria provided, single submitter. Criteria: Invitae Variant Classification Sherloc (09022015). Collection method: clinical testing. Allele origin: germline.

GeneDx
Classification: Likely benign. Last evaluated: 2017-05-02. Review status: criteria provided, single submitter. Criteria: GeneDx Variant Classification (06012015). Collection method: clinical testing. Allele origin: germline. Affected: yes.
Comment: This variant is considered likely benign or benign based on one or more of the following criteria: it is a conservative change, it occurs at a poorly conserved position in the protein, it is predicted to be benign by multiple in silico algorithms, and/or has population frequency not consistent with disease.